The following is an entry in ClinVar:

NM_014946.4(SPAST):c.577C>T (p.Gln193Ter)

Gene: SPAST (spastin; plus strand). Cytogenetic location: 2p22.3.
Variant type: single nucleotide variant.
Coding change: c.577C>T on transcript NM_014946.4 (MANE Select); coding-DNA position 577, C replaced by T.
Protein change: p.Gln193Ter; replaces glutamine 193 with a stop codon.
Molecular consequence: nonsense.
Genome position (GRCh38, 1-based): chr2:32,089,596, C>T. VCF-style: chr2-32089596-C-T. GRCh37 (hg19) VCF-style: chr2-32314665-C-T.
Other names: c.574C>T, p.Gln192Ter (NM_001363823.2, NM_001363875.2); c.577C>T, p.Gln193Ter (NM_001377959.1, NM_199436.2); short protein forms Q192*, Q193*.
Identifiers: ClinVar variation 989092 (VCV000989092.4), dbSNP rs1553400013, ClinGen allele CA346603591.
Genomic context (GRCh38, chr2:32,089,596, plus strand): 5'-AGAGCTAGACGCCTTCAAGCTAAAATGATGACTAATTTGGTTATGGCCAAGGACCGCTTA[C>T]AACTTCTAGGTATCAATTAATGTATAATTTGATGTGGGATGTATTGGAAATGTGTGTTCA-3'

ClinVar aggregate classification (germline): Pathogenic. Review status: criteria provided, multiple submitters, no conflicts (2 of 4 stars). 2 submissions from 2 submitters: Pathogenic (2). Last evaluated 2023-02-14.

Conditions:
Hereditary spastic paraplegia 4. Also called: Spastic paraplegia 4, autosomal dominant; Spastic Paraplegia 4; Familial spastic paraplegia autosomal dominant 2. Identifiers: Orphanet 100985, MedGen C1866855, MONDO:0008438, OMIM 182601.

Submissions (2):

Labcorp Genetics (formerly Invitae), Labcorp
Classification: Pathogenic for Hereditary spastic paraplegia 4. Last evaluated: 2023-02-14. Review status: criteria provided, single submitter. Criteria: Invitae Variant Classification Sherloc (09022015). Collection method: clinical testing. Allele origin: germline.
Comment: For these reasons, this variant has been classified as Pathogenic. ClinVar contains an entry for this variant (Variation ID: 989092). This premature translational stop signal has been observed in individual(s) with hereditary spastic paraplegia (PMID: 10699187). This variant is not present in population databases (gnomAD no frequency). This sequence change creates a premature translational stop signal (p.Gln193*) in the SPAST gene. It is expected to result in an absent or disrupted protein product. Loss-of-function variants in SPAST are known to be pathogenic (PMID: 20932283).

Paris Brain Institute, Inserm - ICM
Classification: Pathogenic for Hereditary spastic paraplegia 4. Review status: criteria provided, single submitter. Criteria: ACMG Guidelines, 2015. Collection method: clinical testing. Allele origin: unknown. Affected: yes. Observed: 2 variant alleles.

Literature cited by the submitters: PubMed 10699187 (cited by Labcorp Genetics (formerly Invitae), Labcorp); PubMed 20932283 (cited by Labcorp Genetics (formerly Invitae), Labcorp).